The following is an entry in ClinVar:

NM_024120.5(NDUFAF5):c.263+1G>A

Gene: NDUFAF5 (NADH:ubiquinone oxidoreductase complex assembly factor 5; plus strand). Cytogenetic location: 20p12.1.
Variant type: single nucleotide variant.
Coding change: c.263+1G>A on transcript NM_024120.5 (MANE Select); the canonical splice donor site of the intron after coding-DNA position 263, G replaced by A.
Molecular consequence: splice donor variant.
Genome position (GRCh38, 1-based): chr20:13,787,353, G>A. VCF-style: chr20-13787353-G-A. GRCh37 (hg19) VCF-style: chr20-13767999-G-A.
Other names: c.-299+1G>A (NM_001352407.2); c.-319+1G>A (NM_001352406.2); c.263+1G>A (NM_001039375.3, NM_001352408.2); c.-105+1G>A (NM_001352403.2).
Identifiers: ClinVar variation 2856067 (VCV002856067.3), dbSNP rs779145014, ClinGen allele CA9767670.

ClinVar aggregate classification (germline): Likely pathogenic (1 of 4 stars; one submission).

Allele frequency attached by ClinVar (database versions not stated): gnomAD exomes below 0.00001; ExAC 0.00001; gnomAD 0.00001.
gnomAD v4.1: 2 of 1,613,750 alleles (0.00012%); highest among the groups gnomAD compares: African/African-American, 0.0013%; no homozygotes.

Submission:

Labcorp Genetics (formerly Invitae), Labcorp
Classification: Likely pathogenic. Last evaluated: 2023-04-14. Review status: criteria provided, single submitter. Criteria: Invitae Variant Classification Sherloc (09022015). Collection method: clinical testing. Allele origin: germline.
Comment: In summary, the currently available evidence indicates that the variant is pathogenic, but additional data are needed to prove that conclusively. Therefore, this variant has been classified as Likely Pathogenic. Algorithms developed to predict the effect of sequence changes on RNA splicing suggest that this variant may disrupt the consensus splice site. This variant has not been reported in the literature in individuals affected with NDUFAF5-related conditions. This variant is present in population databases (rs779145014, gnomAD 0.003%). This sequence change affects a donor splice site in intron 2 of the NDUFAF5 gene. It is expected to disrupt RNA splicing. Variants that disrupt the donor or acceptor splice site typically lead to a loss of protein function (PMID: 16199547), and loss-of-function variants in NDUFAF5 are known to be pathogenic (PMID: 26275793, 30473481, 32918965).

Literature cited by the submitters: PubMed 16199547; PubMed 26275793; PubMed 30473481; PubMed 32918965.